The following is an entry in ClinVar:

NM_000836.4(GRIN2D):c.1452C>A (p.Cys484Ter)

Gene: GRIN2D (glutamate ionotropic receptor NMDA type subunit 2D; plus strand). Cytogenetic location: 19q13.33.
Variant type: single nucleotide variant.
Coding change: c.1452C>A on transcript NM_000836.4 (MANE Select); coding-DNA position 1452, C replaced by A.
Protein change: p.Cys484Ter; replaces cysteine 484 with a stop codon.
Molecular consequence: nonsense.
Genome position (GRCh38, 1-based): chr19:48,414,903, C>A. VCF-style: chr19-48414903-C-A. GRCh37 (hg19) VCF-style: chr19-48918160-C-A.
Other names: short protein forms C484*.
Identifiers: ClinVar variation 3731045 (VCV003731045.1).

ClinVar aggregate classification (germline): Uncertain significance (1 of 4 stars; one submission).

Submission:

GeneDx
Classification: Uncertain significance. Last evaluated: 2024-08-10. Review status: criteria provided, single submitter. Criteria: GeneDx Variant Classification Process June 2021. Collection method: clinical testing. Allele origin: germline. Affected: yes.
Comment: Not observed at significant frequency in large population cohorts (gnomAD); Nonsense variant predicted to result in protein truncation or nonsense mediated decay in a gene or region of a gene for which loss of function is not a well-established mechanism of disease; Has not been previously published as pathogenic or benign to our knowledge